The following is an entry in ClinVar:

ClinVar aggregate classification (germline): Uncertain significance. Review status: criteria provided, multiple submitters, no conflicts (2 of 4 stars). 3 submissions from 3 submitters: Uncertain significance (3). Last evaluated 2025-10-16.

Allele frequency attached by ClinVar (database versions not stated): gnomAD 0.00001; gnomAD exomes 0.00002 and 0.00010; TOPMed 0.00005; ExAC 0.00008.
gnomAD v4.1: 30 of 1,609,360 alleles (0.0019%); highest among the groups gnomAD compares: East Asian, 0.065%; no homozygotes.

Submissions (3):

Labcorp Genetics (formerly Invitae), Labcorp
Classification: Uncertain significance. Last evaluated: 2025-10-16. Review status: criteria provided, single submitter. Criteria: Invitae Variant Classification Sherloc (09022015). Collection method: clinical testing. Allele origin: germline.
Comment: This sequence change replaces leucine, which is neutral and non-polar, with histidine, which is basic and polar, at codon 584 of the FAM65B protein (p.Leu584His). This variant is present in population databases (rs760826655, gnomAD 0.1%), and has an allele count higher than expected for a pathogenic variant. This variant has not been reported in the literature in individuals affected with FAM65B-related conditions. ClinVar contains an entry for this variant (Variation ID: 1680500). An algorithm developed to predict the effect of missense changes on protein structure and function (PolyPhen-2) suggests that this variant is likely to be tolerated. In summary, the available evidence is currently insufficient to determine the role of this variant in disease. Therefore, it has been classified as a Variant of Uncertain Significance.

Ambry Genetics
Classification: Uncertain significance. Last evaluated: 2024-03-12. Review status: criteria provided, single submitter. Criteria: Ambry Variant Classification Scheme 2023. Collection method: clinical testing. Allele origin: germline.

Blueprint Genetics
Classification: Uncertain significance. Last evaluated: 2023-09-27. Review status: criteria provided, single submitter. Criteria: ACMG Guidelines, 2015. Collection method: clinical testing. Allele origin: germline.

NM_001286445.3(RIPOR2):c.1688T>A (p.Leu563His)

Gene: RIPOR2 (RHO family interacting cell polarization regulator 2; minus strand). Cytogenetic location: 6p22.3.
Variant type: single nucleotide variant.
Coding change: c.1688T>A on transcript NM_001286445.3 (MANE Select); coding-DNA position 1688, T replaced by A.
Protein change: p.Leu563His; replaces leucine 563 with histidine.
Molecular consequence: missense variant.
Genome position (GRCh38, 1-based): chr6:24,843,031, A>T on the plus strand (T>A on the coding strand, the complement: RIPOR2 is on the minus strand). VCF-style: chr6-24843031-A-T. GRCh37 (hg19) VCF-style: chr6-24843259-A-T.
Other names: c.1751T>A (NM_014722.2); c.1703T>A, p.Leu568His (NM_001286446.3); c.1601T>A, p.Leu534His (NM_001286447.2, NM_001346031.2, NM_001346032.2 and 1 more transcripts); c.1751T>A, p.Leu584His (NM_014722.5); short protein forms L534H, L563H, L568H, L584H.
Identifiers: ClinVar variation 1680500 (VCV001680500.8), dbSNP rs760826655, ClinGen allele CA3659209.